The following is an entry in ClinVar:

ClinVar aggregate classification (germline): Uncertain significance (1 of 4 stars; one submission).

Allele frequency attached by ClinVar (database versions not stated): gnomAD exomes below 0.00001; gnomAD 0.00001; TOPMed 0.00002.
gnomAD v4.1: 3 of 1,613,368 alleles (0.00019%); highest among the groups gnomAD compares: African/African-American, 0.0027%; no homozygotes.

Submission:

Labcorp Genetics (formerly Invitae), Labcorp
Classification: Uncertain significance. Last evaluated: 2023-09-08. Review status: criteria provided, single submitter. Criteria: Invitae Variant Classification Sherloc (09022015). Collection method: clinical testing. Allele origin: germline.
Comment: In summary, the available evidence is currently insufficient to determine the role of this variant in disease. Therefore, it has been classified as a Variant of Uncertain Significance. Algorithms developed to predict the effect of missense changes on protein structure and function output the following: SIFT: "Not Available"; PolyPhen-2: "Possibly Damaging"; Align-GVGD: "Not Available". The asparagine amino acid residue is found in multiple mammalian species, which suggests that this missense change does not adversely affect protein function. This variant has not been reported in the literature in individuals affected with IL23R-related conditions. This variant is present in population databases (no rsID available, gnomAD 0.007%). This sequence change replaces serine, which is neutral and polar, with asparagine, which is neutral and polar, at codon 499 of the IL23R protein (p.Ser499Asn).

NM_144701.3(IL23R):c.1496G>A (p.Ser499Asn)

Gene: IL23R (interleukin 23 receptor; plus strand). Cytogenetic location: 1p31.3.
Variant type: single nucleotide variant.
Coding change: c.1496G>A on transcript NM_144701.3 (MANE Select); coding-DNA position 1496, G replaced by A.
Protein change: p.Ser499Asn; replaces serine 499 with asparagine.
Molecular consequence: missense variant.
Genome position (GRCh38, 1-based): chr1:67,258,734, G>A. VCF-style: chr1-67258734-G-A. GRCh37 (hg19) VCF-style: chr1-67724417-G-A.
Other names: short protein forms S499N.
Identifiers: ClinVar variation 2954749 (VCV002954749.3), dbSNP rs1336720183, ClinGen allele CA340728540.